The following is an entry in ClinVar:

ClinVar aggregate classification (germline): Uncertain significance (1 of 4 stars; one submission).

Submission:

Ambry Genetics
Classification: Uncertain significance. Last evaluated: 2026-01-12. Review status: criteria provided, single submitter. Criteria: Ambry Variant Classification Scheme 2023. Collection method: clinical testing. Allele origin: germline.
Comment: The p.P2167H variant (also known as c.6500C>A), located in coding exon 27 of the WNK2 gene, results from a C to A substitution at nucleotide position 6500. The proline at codon 2167 is replaced by histidine, an amino acid with similar properties. This amino acid position is conserved. In addition, this alteration is predicted to be tolerated by in silico analysis. Based on the available evidence, the clinical significance of this variant remains unclear.

NM_006648.4(WNK2):c.6500C>A (p.Pro2167His)

Gene: WNK2 (WNK lysine deficient protein kinase 2; plus strand). Cytogenetic location: 9q22.31.
Variant type: single nucleotide variant.
Coding change: c.6500C>A on transcript NM_006648.4 (MANE Select); coding-DNA position 6500, C replaced by A.
Protein change: p.Pro2167His; replaces proline 2167 with histidine.
Molecular consequence: missense variant.
Genome position (GRCh38, 1-based): chr9:93,308,568, C>A. VCF-style: chr9-93308568-C-A. GRCh37 (hg19) VCF-style: chr9-96070850-C-A.
Other names: c.6611C>A, p.Pro2204His (NM_001282394.3); short protein forms P2204H, P2167H.
Identifiers: ClinVar variation 4842139 (VCV004842139.1).